The following is an entry in ClinVar:

NM_000292.3(PHKA2):c.2462G>T (p.Gly821Val)

Gene: PHKA2 (phosphorylase kinase regulatory subunit alpha 2; minus strand). Cytogenetic location: Xp22.13.
Variant type: single nucleotide variant.
Coding change: c.2462G>T on transcript NM_000292.3 (MANE Select); coding-DNA position 2462, G replaced by T.
Protein change: p.Gly821Val; replaces glycine 821 with valine.
Molecular consequence: missense variant.
Genome position (GRCh38, 1-based): chrX:18,907,955, C>A on the plus strand (G>T on the coding strand, the complement: PHKA2 is on the minus strand). VCF-style: chrX-18907955-C-A. GRCh37 (hg19) VCF-style: chrX-18926073-C-A.
Other names: short protein forms G821V.
Identifiers: ClinVar variation 1395287 (VCV001395287.6), dbSNP rs373884791, ClinGen allele CA10361634.

ClinVar aggregate classification (germline): Uncertain significance (1 of 4 stars; one submission).

Conditions:
Glycogen storage disease IXa1. Also called: LIVER GLYCOGENOSIS, X-LINKED, TYPE I; GLYCOGEN STORAGE DISEASE VIII; GSD VIII; Glycogen storage disease 8. Identifiers: Orphanet 264580, MedGen C3694531, MONDO:0010598, OMIM 306000.

Allele frequency attached by ClinVar (database versions not stated): gnomAD exomes 0.00001.
gnomAD v4.1: 10 of 1,211,321 alleles (0.00083%); highest among the groups gnomAD compares: Middle Eastern, 0.023%; no homozygotes.

Submission:

Labcorp Genetics (formerly Invitae), Labcorp
Classification: Uncertain significance for Glycogen storage disease IXa1. Last evaluated: 2021-08-27. Review status: criteria provided, single submitter. Criteria: Invitae Variant Classification Sherloc (09022015). Collection method: clinical testing. Allele origin: germline.
Comment: In summary, the available evidence is currently insufficient to determine the role of this variant in disease. Therefore, it has been classified as a Variant of Uncertain Significance. Algorithms developed to predict the effect of missense changes on protein structure and function are either unavailable or do not agree on the potential impact of this missense change (SIFT: "Deleterious"; PolyPhen-2: "Possibly Damaging"; Align-GVGD: "Class C0"). This variant has not been reported in the literature in individuals affected with PHKA2-related conditions. This variant is present in population databases (rs373884791, ExAC 0.002%). This sequence change replaces glycine with valine at codon 821 of the PHKA2 protein (p.Gly821Val). The glycine residue is moderately conserved and there is a moderate physicochemical difference between glycine and valine.